The following is an entry in ClinVar:

ClinVar aggregate classification (germline): Conflicting classifications of pathogenicity. Review status: criteria provided, conflicting classifications (1 of 4 stars). 4 submissions from 4 submitters: Uncertain significance (2); Benign (1). 1 of the submissions does not count toward it. Last evaluated 2026-04-09.

Conditions:
NOTCH1-related disorder. Also called: NOTCH1-related condition; NOTCH1-related disorders.
Adams-Oliver syndrome 5 (AOS5). Identifiers: Orphanet 974, MedGen C4014970, MONDO:0014459, OMIM 616028.
Familial thoracic aortic aneurysm and aortic dissection (TAAD). Also called: Thoracic aortic aneurysms and dissections. Identifiers: Orphanet 91387, MedGen C4707243, MONDO:0019625.

Allele frequency attached by ClinVar (database versions not stated): TOPMed 0.00003; gnomAD 0.00005; 1000 Genomes Project 30x 0.00031.
gnomAD v4.1: 21 of 1,537,744 alleles (0.0014%); highest among the groups gnomAD compares: African/African-American, 0.014%; no homozygotes.

Submissions (4):

GeneDx
Classification: Uncertain significance. Last evaluated: 2026-04-09. Review status: criteria provided, single submitter. Criteria: GeneDx Variant Classification Process June 2021. Collection method: clinical testing. Allele origin: germline.
Comment: In silico analysis supports that this missense variant has a deleterious effect on protein structure/function; Has not been previously published as pathogenic or benign to our knowledge; In silico analysis suggests this variant may impact gene splicing. In the absence of RNA/functional studies, the actual effect of this sequence change is unknown.

Labcorp Genetics (formerly Invitae), Labcorp
Classification: Benign for Adams-Oliver syndrome 5. Last evaluated: 2026-01-22. Review status: criteria provided, single submitter. Criteria: Invitae Variant Classification Sherloc (09022015). Collection method: clinical testing. Allele origin: germline.

Ambry Genetics
Classification: Uncertain significance for Familial thoracic aortic aneurysm and aortic dissection. Last evaluated: 2025-05-03. Review status: criteria provided, single submitter. Criteria: Ambry Variant Classification Scheme 2023. Collection method: clinical testing. Allele origin: germline.
Comment: The p.R1661W variant (also known as c.4981C>T), located in coding exon 26 of the NOTCH1 gene, results from a C to T substitution at nucleotide position 4981. The arginine at codon 1661 is replaced by tryptophan, an amino acid with dissimilar properties. This amino acid position is conserved. In addition, the in silico prediction for this alteration is inconclusive. Based on the available evidence, the clinical significance of this variant remains unclear.

PreventionGenetics, part of Exact Sciences
Classification: Uncertain significance for NOTCH1-related condition. Last evaluated: 2024-06-24. Review status: no assertion criteria provided. Collection method: clinical testing. Allele origin: germline. Not counted in ClinVar's aggregate classification.
Comment: The NOTCH1 c.4981C>T variant is predicted to result in the amino acid substitution p.Arg1661Trp. To our knowledge, this variant has not been reported in the literature. This variant is reported in 0.026% of alleles in individuals of African descent in gnomAD. Although we suspect that this variant may be benign, at this time, the clinical significance of this variant is uncertain due to the absence of conclusive functional and genetic evidence.

NM_017617.5(NOTCH1):c.4981C>T (p.Arg1661Trp)

Gene: NOTCH1 (notch receptor 1; minus strand). Cytogenetic location: 9q34.3.
Variant type: single nucleotide variant.
Coding change: c.4981C>T on transcript NM_017617.5 (MANE Select); coding-DNA position 4981, C replaced by T.
Protein change: p.Arg1661Trp; replaces arginine 1661 with tryptophan.
Molecular consequence: missense variant.
Genome position (GRCh38, 1-based): chr9:136,504,710, G>A on the plus strand (C>T on the coding strand, the complement: NOTCH1 is on the minus strand). VCF-style: chr9-136504710-G-A. GRCh37 (hg19) VCF-style: chr9-139399162-G-A.
Other names: c.4981C>T (NM_017617.4, NM_017617.3); short protein forms R1661W.
Identifiers: ClinVar variation 1414278 (VCV001414278.10), dbSNP rs998433493, ClinGen allele CA201643745.